The following is an entry in ClinVar:

NM_001365276.2(TNXB):c.9580G>A (p.Asp3194Asn)

Gene: TNXB (tenascin XB; minus strand). Cytogenetic location: 6p21.33.
Variant type: single nucleotide variant.
Coding change: c.9580G>A on transcript NM_001365276.2 (MANE Select); coding-DNA position 9580, G replaced by A.
Protein change: p.Asp3194Asn; replaces aspartic acid 3194 with asparagine.
Molecular consequence: missense variant.
Genome position (GRCh38, 1-based): chr6:32,049,447, C>T on the plus strand (G>A on the coding strand, the complement: TNXB is on the minus strand). VCF-style: chr6-32049447-C-T. GRCh37 (hg19) VCF-style: chr6-32017224-C-T.
Other names: c.9574G>A, p.Asp3192Asn (NM_019105.8); short protein forms D3192N, D3194N.
Identifiers: ClinVar variation 1204062 (VCV001204062.20), dbSNP rs200036158, ClinGen allele CA3733479.

ClinVar aggregate classification (germline): Uncertain significance. Review status: criteria provided, multiple submitters, no conflicts (2 of 4 stars). 6 submissions from 6 submitters: Uncertain significance (6). Last evaluated 2025-08-06.

Conditions:
Cardiovascular phenotype. Identifiers: MedGen CN230736.
TNXB-related disorder. Also called: TNXB-related condition.
Vesicoureteral reflux 8 (VUR8). Identifiers: Orphanet 289365, MedGen C4014831, MONDO:0014422, OMIM 615963.
Ehlers-Danlos syndrome due to tenascin-X deficiency (EDSCLL1). Also called: EDS DUE TO TNX DEFICIENCY; TNXB-Related Classical-Like Ehlers-Danlos Syndrome; TNX DEFICIENCY; EHLERS-DANLOS SYNDROME, CLASSIC-LIKE; Ehlers-Danlos syndrome, classic-like, 1. Identifiers: Orphanet 230839, MedGen C1848029, MONDO:0011670, OMIM 606408.

Allele frequency attached by ClinVar (database versions not stated): ExAC 0.00011; gnomAD exomes 0.00013; 1000 Genomes Project 30x 0.00016; gnomAD 0.00017 and 0.00018.
gnomAD v4.1: 676 of 1,612,710 alleles (0.042%); highest among the groups gnomAD compares: Non-Finnish European, 0.054%; no homozygotes.

Submissions (6):

Women's Health and Genetics/Laboratory Corporation of America, LabCorp
Classification: Uncertain significance. Last evaluated: 2025-08-06. Review status: criteria provided, single submitter. Criteria: LabCorp Variant Classification Summary - May 2015. Collection method: clinical testing. Allele origin: germline.
Comment: Variant summary: TNXB c.9574G>A (p.Asp3192Asn) results in a conservative amino acid change located in the Fibronectin type III domain (IPR003961) of the encoded protein sequence. Algorithms developed to predict the effect of missense changes on protein structure and function all suggest that this variant is likely to be tolerated. The variant allele was found at a frequency of 0.00013 in 245962 control chromosomes. This frequency is not significantly higher than estimated for a pathogenic variant in TNXB causing Ehlers-Danlos-like syndrome (0.00013 vs 0.0011), allowing no conclusion about variant significance. c.9574G>A has been reported in the literature in at least one individual with a suspected connective tissue disorder (e.g. Steinle_2022, Veatch_2022) . These reports do not provide unequivocal conclusions about association of the variant with Ehlers-Danlos-like syndrome. To our knowledge, no experimental evidence demonstrating an impact on protein function has been reported. The following publications have been ascertained in the context of this evaluation (PMID: 35903967, 35918752). ClinVar contains an entry for this variant (Variation ID: 1204062). Based on the evidence outlined above, the variant was classified as uncertain significance.

PreventionGenetics, part of Exact Sciences
Classification: Uncertain significance for TNXB-related condition. Last evaluated: 2024-11-01. Review status: criteria provided, single submitter. Criteria: ACMG Guidelines, 2015. Collection method: clinical testing. Allele origin: germline.
Comment: The TNXB c.9574G>A variant is predicted to result in the amino acid substitution p.Asp3192Asn. This variant was reported as a variant of unknown clinical significance in a next-generation sequencing and analysis of patients referred for connective tissue disorders (Steinle et al. 2022. PubMed ID: 35903967; Supplemental Table 2, Veatch et al. 2022. PubMed ID: 35918752). This variant is reported in 0.028% of alleles in individuals of European (Non-Finnish) descent in gnomAD. At this time, the clinical significance of this variant is uncertain due to the absence of conclusive functional and genetic evidence.

GeneDx
Classification: Uncertain significance. Last evaluated: 2024-09-04. Review status: criteria provided, single submitter. Criteria: GeneDx Variant Classification Process June 2021. Collection method: clinical testing. Allele origin: germline. Affected: yes.
Comment: Identified in a patient with a suspected connective tissue disorder in published literature (PMID: 35903967); In silico analysis supports that this missense variant has a deleterious effect on protein structure/function; This variant is associated with the following publications: (PMID: 35903967)

Blueprint Genetics
Classification: Uncertain significance. Last evaluated: 2024-05-31. Review status: criteria provided, single submitter. Criteria: ACMG Guidelines, 2015. Collection method: clinical testing. Allele origin: germline.

Ambry Genetics
Classification: Uncertain significance for Cardiovascular phenotype. Last evaluated: 2024-01-03. Review status: criteria provided, single submitter. Criteria: Ambry Variant Classification Scheme 2023. Collection method: clinical testing. Allele origin: germline.
Comment: The p.D3192N variant (also known as c.9574G>A), located in coding exon 27 of the TNXB gene, results from a G to A substitution at nucleotide position 9574. The aspartic acid at codon 3192 is replaced by asparagine, an amino acid with highly similar properties. This alteration has been reported in a connective tissue disorders genetic testing cohort (Steinle J et al. Am J Med Genet A, 2022 Oct;188:3016-3023). This amino acid position is well conserved in available vertebrate species. In addition, this alteration is predicted to be tolerated by in silico analysis. Since supporting evidence is limited at this time, the clinical significance of this alteration remains unclear.

Fulgent Genetics
Classification: Uncertain significance for Ehlers-Danlos syndrome due to tenascin-X deficiency; Vesicoureteral reflux 8. Last evaluated: 2021-12-13. Review status: criteria provided, single submitter. Criteria: ACMG Guidelines, 2015. Collection method: clinical testing. Allele origin: unknown.

Literature cited by the submitters: PubMed 35918752 (cited by Women's Health and Genetics/Laboratory Corporation of America, LabCorp); PubMed 35903967 (cited by Women's Health and Genetics/Laboratory Corporation of America, LabCorp and Ambry Genetics).